The following is an entry in ClinVar:

NM_015311.3(OBSL1):c.2575G>A (p.Gly859Arg)

Gene: OBSL1 (obscurin like cytoskeletal adaptor 1; minus strand). Cytogenetic location: 2q35.
Variant type: single nucleotide variant.
Coding change: c.2575G>A on transcript NM_015311.3 (MANE Select); coding-DNA position 2575, G replaced by A.
Protein change: p.Gly859Arg; replaces glycine 859 with arginine.
Molecular consequence: missense variant.
Genome position (GRCh38, 1-based): chr2:219,563,460, C>T on the plus strand (G>A on the coding strand, the complement: OBSL1 is on the minus strand). VCF-style: chr2-219563460-C-T. GRCh37 (hg19) VCF-style: chr2-220428182-C-T.
Other names: c.2575G>A, p.Gly859Arg (NM_001173431.2, NM_001173408.2); short protein forms G859R.
Identifiers: ClinVar variation 1907202 (VCV001907202.5), dbSNP rs780425068, ClinGen allele CA2131180.
Genomic context (GRCh38, chr2:219,563,460, plus strand): 5'-ACTGAAACTCGCCCCCGTCTGAGGGCTGGGTGGCGGGCAGCACCAGGCGGCGATGGGGCC[C>T]CTCATTCTCCAGCACCACGAAGTCACTCTCCTCCACCTCCTGCCCGTCCTTGTACCAACG-3'
Protein context (NP_056126.1, residues 849-869): ESDFVVLENE[Gly859Arg]PHRRLVLPAT

ClinVar aggregate classification (germline): Uncertain significance (1 of 4 stars; one submission).

Allele frequency attached by ClinVar (database versions not stated): gnomAD exomes below 0.00001; ExAC 0.00001.
gnomAD v4.1: 2 of 1,613,928 alleles (0.00012%); highest among the groups gnomAD compares: South Asian, 0.0022%; no homozygotes.

Submission:

Labcorp Genetics (formerly Invitae), Labcorp
Classification: Uncertain significance. Last evaluated: 2024-10-24. Review status: criteria provided, single submitter. Criteria: Invitae Variant Classification Sherloc (09022015). Collection method: clinical testing. Allele origin: germline.
Comment: This sequence change replaces glycine, which is neutral and non-polar, with arginine, which is basic and polar, at codon 859 of the OBSL1 protein (p.Gly859Arg). This variant is present in population databases (rs780425068, gnomAD 0.006%). This variant has not been reported in the literature in individuals affected with OBSL1-related conditions. ClinVar contains an entry for this variant (Variation ID: 1907202). An algorithm developed to predict the effect of missense changes on protein structure and function (PolyPhen-2) suggests that this variant is likely to be tolerated. In summary, the available evidence is currently insufficient to determine the role of this variant in disease. Therefore, it has been classified as a Variant of Uncertain Significance.